The following is an entry in ClinVar:

ClinVar aggregate classification (germline): Uncertain significance (1 of 4 stars; one submission).

Conditions:
Pulmonary fibrosis and/or bone marrow failure, Telomere-related, 3. Also called: PULMONARY FIBROSIS AND/OR BONE MARROW FAILURE SYNDROME, TELOMERE-RELATED, 3. Identifiers: Orphanet 2032, MedGen C4225346, MONDO:0014613, OMIM 616373.
Dyskeratosis congenita, autosomal recessive 5 (DKCB5). Identifiers: MedGen C3554656, MONDO:0014076, OMIM 615190.

Submission:

Labcorp Genetics (formerly Invitae), Labcorp
Classification: Uncertain significance for Dyskeratosis congenita, autosomal recessive 5; Pulmonary fibrosis and/or bone marrow failure, Telomere-related, 3. Last evaluated: 2022-07-11. Review status: criteria provided, single submitter. Criteria: Invitae Variant Classification Sherloc (09022015). Collection method: clinical testing. Allele origin: germline.
Comment: This sequence change replaces valine, which is neutral and non-polar, with glycine, which is neutral and non-polar, at codon 468 of the RTEL1 protein (p.Val468Gly). This variant is not present in population databases (gnomAD no frequency). This variant has not been reported in the literature in individuals affected with RTEL1-related conditions. ClinVar contains an entry for this variant (Variation ID: 1446143). Algorithms developed to predict the effect of missense changes on protein structure and function are either unavailable or do not agree on the potential impact of this missense change (SIFT: "Deleterious"; PolyPhen-2: "Possibly Damaging"; Align-GVGD: "Class C15"). In summary, the available evidence is currently insufficient to determine the role of this variant in disease. Therefore, it has been classified as a Variant of Uncertain Significance.

NM_001283009.2(RTEL1):c.1403T>G (p.Val468Gly)

Genes: RTEL1 (regulator of telomere elongation helicase 1; plus strand), RTEL1-TNFRSF6B (RTEL1-TNFRSF6B readthrough (NMD candidate); plus strand). Cytogenetic location: 20q13.33.
Variant type: single nucleotide variant.
Coding change: c.1403T>G on transcript NM_001283009.2 (MANE Select); coding-DNA position 1403, T replaced by G.
Protein change: p.Val468Gly; replaces valine 468 with glycine.
Molecular consequence: missense variant. On other transcripts: non-coding transcript variant (1).
Genome position (GRCh38, 1-based): chr20:63,687,692, T>G. VCF-style: chr20-63687692-T-G. GRCh37 (hg19) VCF-style: chr20-62319045-T-G.
Other names: c.734T>G, p.Val245Gly (NM_001283010.1); c.1403T>G, p.Val468Gly (NM_016434.4); c.1475T>G, p.Val492Gly (NM_032957.5); short protein forms V468G, V245G, V492G.
Identifiers: ClinVar variation 1446143 (VCV001446143.6), dbSNP rs2145419818, ClinGen allele CA409676267.